The following is an entry in ClinVar:

ClinVar aggregate classification (germline): Conflicting classifications of pathogenicity. Review status: criteria provided, conflicting classifications (1 of 4 stars). 5 submissions from 4 submitters: Uncertain significance (3); Likely benign (2). Last evaluated 2026-02-24.

Conditions:
LTBP2-related disorder. Also called: LTBP2-related disorders; LTBP2-related condition.
Weill-Marchesani syndrome 3 (WMS3). Also called: Weill-Marchesani syndrome 3, recessive; LTBP2-Related Weill-Marchesani Syndrome. Identifiers: Orphanet 3449, MedGen C3553785, MONDO:0013899, OMIM 614819.
Glaucoma 3, primary congenital, D. Identifiers: Orphanet 98976, MedGen C2751316, MONDO:0013122, OMIM 613086.
Microspherophakia and/or megalocornea, with ectopia lentis and with or without secondary glaucoma (MSPKA). Identifiers: Orphanet 238763, MedGen C3538951, MONDO:0009633, OMIM 251750.
Glaucoma 3, primary infantile, B. Also called: GLC3B; GLC3 type B; Primary congenital glaucoma type 3B; Glaucoma primary congenita type 3B; GLAUCOMA, PRIMARY CONGENITAL, TYPE B. Identifiers: Orphanet 98976, MedGen C1832977, MONDO:0010968, OMIM 600975.
Weill-Marchesani syndrome. Also called: WM Syndrome; Mesodermal dysmorphodystrophy congenital. Identifiers: Orphanet 3449, MedGen C0265313, MONDO:0018096.

Allele frequency attached by ClinVar (database versions not stated): gnomAD 0.00005; TOPMed 0.00009; 1000 Genomes Project 30x 0.00031; 1000 Genomes Project 0.00040.
gnomAD v4.1: 52 of 1,610,970 alleles (0.0032%); highest among the groups gnomAD compares: African/African-American, 0.031%; no homozygotes.

Submissions (5):

PreventionGenetics, part of Exact Sciences
Classification: Likely benign for LTBP2-related condition. Last evaluated: 2026-02-24. Review status: criteria provided, single submitter. Criteria: ACMG Guidelines, 2015. Collection method: clinical testing. Allele origin: germline.
Comment: This variant is classified as likely benign based on ACMG/AMP sequence variant interpretation guidelines (Richards et al. 2015 PMID: 25741868, with internal and published modifications).

Labcorp Genetics (formerly Invitae), Labcorp
Classification: Likely benign. Last evaluated: 2025-10-26. Review status: criteria provided, single submitter. Criteria: Invitae Variant Classification Sherloc (09022015). Collection method: clinical testing. Allele origin: germline.

Fulgent Genetics
Classification: Uncertain significance for Microspherophakia and/or megalocornea, with ectopia lentis and with or without secondary glaucoma; Glaucoma 3, primary infantile, B; Glaucoma 3, primary congenital, D; Weill-Marchesani syndrome 3. Last evaluated: 2021-10-15. Review status: criteria provided, single submitter. Criteria: ACMG Guidelines, 2015. Collection method: clinical testing. Allele origin: unknown.

Illumina Laboratory Services, Illumina
Classification: Uncertain significance for Weill-Marchesani syndrome. Last evaluated: 2018-01-13. Review status: criteria provided, single submitter. Criteria: ICSL Variant Classification Criteria 13 December 2019. Collection method: clinical testing. Allele origin: germline.

Illumina Laboratory Services, Illumina
Classification: Uncertain significance for Glaucoma 3, primary congenital, D. Last evaluated: 2018-01-13. Review status: criteria provided, single submitter. Criteria: ICSL Variant Classification Criteria 13 December 2019. Collection method: clinical testing. Allele origin: germline.

NM_000428.3(LTBP2):c.2388+8C>T

Gene: LTBP2 (latent transforming growth factor beta binding protein 2; minus strand). Cytogenetic location: 14q24.3.
Variant type: single nucleotide variant.
Coding change: c.2388+8C>T on transcript NM_000428.3 (MANE Select); 8 bases into the intron after coding-DNA position 2388, C replaced by T.
Molecular consequence: intron variant.
Genome position (GRCh38, 1-based): chr14:74,527,339, G>A on the plus strand (C>T on the coding strand, the complement: LTBP2 is on the minus strand). VCF-style: chr14-74527339-G-A. GRCh37 (hg19) VCF-style: chr14-74994042-G-A.
Identifiers: ClinVar variation 886736 (VCV000886736.10), dbSNP rs201838800, ClinGen allele CA7269545.
Genomic context (GRCh38, chr14:74,527,339, plus strand): 5'-CCTGAGCTGCTACCAGGTCCTGCTCTCTGCCATGCTTGCCCGGCCCCCTAGTGGGAGGAC[G>A]CACTCACCTGGCCAGCCTGAGAGTCACCTGGAAGGGAAAGGTAACAGCGTGAGCTCAGGG-3'